The following is an entry in ClinVar:

NC_000023.11:g.48902954A>G

Genes: PQBP1 (polyglutamine binding protein 1; plus strand), SLC35A2 (solute carrier family 35 member A2; minus strand). Cytogenetic location: Xp11.23.
Variant type: single nucleotide variant.
Molecular consequence: missense variant (on NM_001032382.2).
Genome position: GRCh38 VCF-style: chrX-48902954-A-G. GRCh37 (hg19) VCF-style: chrX-48760231-A-G.
Other names: c.668A>G, p.Lys223Arg (NM_001032381.2, NM_001032382.2, NM_001032383.2 and 2 more transcripts); c.665A>G, p.Lys222Arg (NM_001167989.2); c.644A>G, p.Lys215Arg (NM_001167990.2); c.368A>G, p.Lys123Arg (NM_001167992.1); c.383A>G, p.Lys128Arg (NM_144495.3); short protein forms K123R, K128R, K215R, K222R, K223R.
Identifiers: ClinVar variation 2663400 (VCV002663400.2), dbSNP rs2063450633, ClinGen allele CA412891496.
Genomic context (GRCh38, chrX:48,902,954, plus strand): 5'-ACCCATCCCCATCCCCTGACTCTTTCACCGGCAGGGGCACGTGGTCAACAGGACTCCCCA[A>G]GCGGAATGAGGCCAAGACTGGCGCTGACACCACAGCAGCTGGGCCCCTCTTCCAGCAGCG-3'

ClinVar aggregate classification (germline): Uncertain significance (1 of 4 stars; one submission).

Allele frequency attached by ClinVar (database versions not stated): TOPMed below 0.00001.

Submission:

GeneDx
Classification: Uncertain significance. Last evaluated: 2025-04-30. Review status: criteria provided, single submitter. Criteria: GeneDx Variant Classification Process June 2021. Collection method: clinical testing. Allele origin: germline.
Comment: Not observed at significant frequency in large population cohorts (gnomAD); In silico analysis indicates that this missense variant does not alter protein structure/function; Has not been previously published as pathogenic or benign to our knowledge